The following is an entry in ClinVar:

NM_001160148.2(DDHD1):c.976G>A (p.Asp326Asn)

Gene: DDHD1 (DDHD domain containing 1; minus strand). Cytogenetic location: 14q22.1.
Variant type: single nucleotide variant.
Coding change: c.976G>A on transcript NM_001160148.2 (MANE Select); coding-DNA position 976, G replaced by A.
Protein change: p.Asp326Asn; replaces aspartic acid 326 with asparagine.
Molecular consequence: missense variant.
Genome position (GRCh38, 1-based): chr14:53,103,719, C>T on the plus strand (G>A on the coding strand, the complement: DDHD1 is on the minus strand). VCF-style: chr14-53103719-C-T. GRCh37 (hg19) VCF-style: chr14-53570437-C-T.
Other names: c.976G>A, p.Asp326Asn (NM_001160147.2, NM_030637.3); short protein forms D326N.
Identifiers: ClinVar variation 4238369 (VCV004238369.2).

ClinVar aggregate classification (germline): Uncertain significance. Review status: criteria provided, multiple submitters, no conflicts (2 of 4 stars). 2 submissions from 2 submitters: Uncertain significance (2). Last evaluated 2026-01-11.

Conditions:
Hereditary spastic paraplegia 28. Also called: Spastic paraplegia 28, autosomal recessive. Identifiers: Orphanet 101008, MedGen C1836295, MONDO:0012256, OMIM 609340.
Inborn genetic diseases. Identifiers: MedGen C0950123, MeSH D030342.

gnomAD v4.1: 7 of 1,612,568 alleles (0.00043%); highest among the groups gnomAD compares: African/African-American, 0.0027%; no homozygotes.

Submissions (2):

Labcorp Genetics (formerly Invitae), Labcorp
Classification: Uncertain significance for Hereditary spastic paraplegia 28. Last evaluated: 2026-01-11. Review status: criteria provided, single submitter. Criteria: Invitae Variant Classification Sherloc (09022015). Collection method: clinical testing. Allele origin: germline.
Comment: This sequence change replaces aspartic acid, which is acidic and polar, with asparagine, which is neutral and polar, at codon 326 of the DDHD1 protein (p.Asp326Asn). This variant is present in population databases (rs145456012, gnomAD 0.007%). This variant has not been reported in the literature in individuals affected with DDHD1-related conditions. ClinVar contains an entry for this variant (Variation ID: 4238369). Invitae Evidence Modeling of protein sequence and biophysical properties (such as structural, functional, and spatial information, amino acid conservation, physicochemical variation, residue mobility, and thermodynamic stability) indicates that this missense variant is not expected to disrupt DDHD1 protein function with a negative predictive value of 80%. In summary, the available evidence is currently insufficient to determine the role of this variant in disease. Therefore, it has been classified as a Variant of Uncertain Significance.

Ambry Genetics
Classification: Uncertain significance for Inborn genetic diseases. Last evaluated: 2025-08-23. Review status: criteria provided, single submitter. Criteria: Ambry Variant Classification Scheme 2023. Collection method: clinical testing. Allele origin: germline.